The following is an entry in ClinVar:

NM_001379500.1(COL18A1):c.1221+14T>C

Gene: COL18A1 (collagen type XVIII alpha 1 chain; plus strand). Cytogenetic location: 21q22.3.
Variant type: single nucleotide variant.
Coding change: c.1221+14T>C on transcript NM_001379500.1 (MANE Select); 14 bases into the intron after coding-DNA position 1221, T replaced by C.
Molecular consequence: intron variant.
Genome position (GRCh38, 1-based): chr21:45,477,979, T>C. VCF-style: chr21-45477979-T-C. GRCh37 (hg19) VCF-style: chr21-46897893-T-C.
Other names: NM_130445.2:c.1221+14T>C; c.2466+14T>C (NM_130444.3); c.1761+14T>C (NM_030582.4).
Identifiers: ClinVar variation 340213 (VCV000340213.16), dbSNP rs9976881, ClinGen allele CA10066111.

ClinVar aggregate classification (germline): Benign. Review status: criteria provided, multiple submitters, no conflicts (2 of 4 stars). 4 submissions from 4 submitters: Benign (4). Last evaluated 2026-02-03.

Conditions:
Knobloch syndrome (KNO). Also called: RETINAL DETACHMENT AND OCCIPITAL ENCEPHALOCELE; Myopia retinal detachment encephalocele. Identifiers: Orphanet 1571, MedGen C1849409, MONDO:0800166.

Allele frequency attached by ClinVar (database versions not stated): gnomAD exomes 0.00417 and 0.00624; ESP Exome Variant Server 0.01076; ExAC 0.01112; gnomAD 0.02350 and 0.02526; TOPMed 0.02538.
gnomAD v4.1: 8,709 of 1,335,642 alleles (0.65%); highest among the groups gnomAD compares: African/African-American, 7.8%; 244 homozygotes.

Submissions (4):

Labcorp Genetics (formerly Invitae), Labcorp
Classification: Benign. Last evaluated: 2026-02-03. Review status: criteria provided, single submitter. Criteria: Invitae Variant Classification Sherloc (09022015). Collection method: clinical testing. Allele origin: germline.

GeneDx
Classification: Benign. Last evaluated: 2021-05-20. Review status: criteria provided, single submitter. Criteria: GeneDx Variant Classification Process June 2021. Collection method: clinical testing. Allele origin: germline. Affected: yes.

Illumina Laboratory Services, Illumina
Classification: Benign for Knobloch syndrome 1. Last evaluated: 2018-01-13. Review status: criteria provided, single submitter. Criteria: ICSL Variant Classification Criteria 13 December 2019. Collection method: clinical testing. Allele origin: germline.
Comment: This variant was observed in the ICSL laboratory as part of a predisposition screen in an ostensibly healthy population. It had not been previously curated by ICSL or reported in the Human Gene Mutation Database (HGMD: prior to June 1st, 2018), and was therefore a candidate for classification through an automated scoring system. Utilizing variant allele frequency, disease prevalence and penetrance estimates, and inheritance mode, an automated score was calculated to assess if this variant is too frequent to cause the disease. Based on the score and internal cut-off values, a variant classified as benign is not then subjected to further curation. The score for this variant resulted in a classification of benign for this disease.

Breakthrough Genomics
Classification: Benign. Review status: criteria provided, single submitter. Criteria: ACMG Guidelines, 2015. Collection method: not provided. Allele origin: germline. Inheritance: Autosomal recessive inheritance. Affected: yes.